The following is an entry in ClinVar:

NM_018979.4(WNK1):c.14C>T (p.Ala5Val)

Gene: WNK1 (WNK lysine deficient protein kinase 1; plus strand). Cytogenetic location: 12p13.33.
Variant type: single nucleotide variant.
Coding change: c.14C>T on transcript NM_018979.4 (MANE Select); coding-DNA position 14, C replaced by T.
Protein change: p.Ala5Val; replaces alanine 5 with valine.
Molecular consequence: missense variant.
Genome position (GRCh38, 1-based): chr12:753,579, C>T. VCF-style: chr12-753579-C-T. GRCh37 (hg19) VCF-style: chr12-862745-C-T.
Other names: c.14C>T, p.Ala5Val (NM_001184985.2, NM_014823.3, NM_213655.5); short protein forms A5V.
Identifiers: ClinVar variation 1026892 (VCV001026892.8), dbSNP rs1939508504, ClinGen allele CA383303275.

ClinVar aggregate classification (germline): Uncertain significance (1 of 4 stars; one submission).

Conditions:
Pseudohypoaldosteronism type 2C (PHA2C). Also called: Pseudohypoaldosteronism Type IIC. Identifiers: Orphanet 757, Orphanet 88940, MedGen C1840391, MONDO:0013778, OMIM 614492.
Neuropathy, hereditary sensory and autonomic, type 2A (HSAN2A). Also called: ACROOSTEOLYSIS, GIACCAI TYPE; ACROOSTEOLYSIS, NEUROGENIC; MORVAN DISEASE; NEUROPATHY, CONGENITAL SENSORY; NEUROPATHY, HEREDITARY SENSORY RADICULAR, AUTOSOMAL RECESSIVE; NEUROPATHY, HEREDITARY SENSORY, TYPE IIA. Identifiers: Orphanet 970, MedGen C2752089, MONDO:0024309, OMIM 201300.

Submission:

Labcorp Genetics (formerly Invitae), Labcorp
Classification: Uncertain significance for Neuropathy, hereditary sensory and autonomic, type 2A; Pseudohypoaldosteronism type 2C. Last evaluated: 2020-03-10. Review status: criteria provided, single submitter. Criteria: Invitae Variant Classification Sherloc (09022015). Collection method: clinical testing. Allele origin: germline.
Comment: In summary, the available evidence is currently insufficient to determine the role of this variant in disease. Therefore, it has been classified as a Variant of Uncertain Significance. Algorithms developed to predict the effect of missense changes on protein structure and function are either unavailable or do not agree on the potential impact of this missense change (SIFT: "Deleterious"; PolyPhen-2: "Not Available"; Align-GVGD: "Class C0"). This variant has not been reported in the literature in individuals with WNK1-related conditions. This variant is not present in population databases (ExAC no frequency). This sequence change replaces alanine with valine at codon 5 of the WNK1 protein (p.Ala5Val). The alanine residue is moderately conserved and there is a small physicochemical difference between alanine and valine.